The following is an entry in ClinVar:

ClinVar aggregate classification (germline): Uncertain significance (1 of 4 stars; one submission).

Conditions:
Charcot-Marie-Tooth disease axonal type 2O. Also called: CHARCOT-MARIE-TOOTH DISEASE, AXONAL, AUTOSOMAL DOMINANT, TYPE 2O; Charcot-Marie-Tooth disease, axonal, type 20; Charcot-Marie-Tooth Neuropathy Type 2O; CHARCOT-MARIE-TOOTH NEUROPATHY, AXONAL, TYPE 2O. Identifiers: Orphanet 284232, MedGen C3280220, MONDO:0013644, OMIM 614228.

Submission:

Labcorp Genetics (formerly Invitae), Labcorp
Classification: Uncertain significance for Charcot-Marie-Tooth disease axonal type 2O. Last evaluated: 2025-08-30. Review status: criteria provided, single submitter. Criteria: Invitae Variant Classification Sherloc (09022015). Collection method: clinical testing. Allele origin: germline.
Comment: This sequence change falls in intron 47 of the DYNC1H1 gene. It does not directly change the encoded amino acid sequence of the DYNC1H1 protein. It affects a nucleotide within the consensus splice site. This variant is not present in population databases (gnomAD no frequency). This variant has not been reported in the literature in individuals affected with DYNC1H1-related conditions. ClinVar contains an entry for this variant (Variation ID: 2702444). Variants that disrupt the consensus splice site are a relatively common cause of aberrant splicing (PMID: 17576681, 9536098). Algorithms developed to predict the effect of sequence changes on RNA splicing suggest that this variant is not likely to affect RNA splicing. In summary, the available evidence is currently insufficient to determine the role of this variant in disease. Therefore, it has been classified as a Variant of Uncertain Significance.

Literature cited by the submitters: PubMed 17576681; PubMed 9536098.

NM_001376.5(DYNC1H1):c.9263+5G>T

Genes: DYNC1H1 (dynein cytoplasmic 1 heavy chain 1; plus strand), LOC126862060 (BRD4-independent group 4 enhancer GRCh37_chr14:102493659-102494858; plus strand). Cytogenetic location: 14q32.31.
Variant type: single nucleotide variant.
Coding change: c.9263+5G>T on transcript NM_001376.5 (MANE Select); 5 bases into the intron after coding-DNA position 9263, G replaced by T.
Molecular consequence: intron variant.
Genome position (GRCh38, 1-based): chr14:102,027,838, G>T. VCF-style: chr14-102027838-G-T. GRCh37 (hg19) VCF-style: chr14-102494175-G-T.
Identifiers: ClinVar variation 2702444 (VCV002702444.3), dbSNP rs200144865, ClinGen allele CA2697554210.
Genomic context (GRCh38, chr14:102,027,838, plus strand): 5'-CCGTCCTCGGAGGGACTCAAGGACCGGGCAGCTACATCACCAGCACTTTTCAACAGGTAC[G>T]TGGGCCTTTACTTGGCTCTGGGTCAGGAAAGTCGGTGTCCTTCCAAGGGACAAAGCCTGC-3'